The following is an entry in ClinVar:

ClinVar aggregate classification (germline): Uncertain significance (1 of 4 stars; one submission).

Submission:

GeneDx
Classification: Uncertain significance. Last evaluated: 2024-02-21. Review status: criteria provided, single submitter. Criteria: GeneDx Variant Classification Process June 2021. Collection method: clinical testing. Allele origin: germline.
Comment: Frameshift variant predicted to result in protein truncation or nonsense mediated decay in a gene or region of a gene for which loss of function is not a well-established mechanism of disease; Not observed at significant frequency in large population cohorts (gnomAD); Has not been previously published as pathogenic or benign to our knowledge

NM_001393504.1(MAST3):c.1510dup (p.Val504fs)

Gene: MAST3 (microtubule associated serine/threonine kinase 3; plus strand). Cytogenetic location: 19p13.11.
Variant type: Duplication.
Coding change: c.1510dup on transcript NM_001393504.1 (MANE Select); coding-DNA position 1510, one base duplicated (G; older notation c.1510dupG).
Protein change: p.Val504fs; shifts the reading frame from valine 504.
Molecular consequence: frameshift variant.
Genome position (GRCh38, 1-based): chr19:18,131,986, G duplicated; the last of 2 consecutive G bases (chr19:18,131,985-18,131,986); duplicating either gives the same sequence. VCF-style (leftmost placement, unchanged base first): chr19-18131984-C-CG. GRCh37 (hg19) VCF-style: chr19-18242794-C-CG.
Other names: c.1534dup, p.Val512fs (NM_001393501.1); c.1513dup, p.Val505fs (NM_001393502.1); c.1510dup, p.Val504fs (NM_001393503.1); c.1507dup, p.Val503fs (NM_001393505.1); c.1462dup, p.Val488fs (NM_001393506.1, NM_001393513.1); c.1489dup, p.Val497fs (NM_001393507.1); c.1444dup, p.Val482fs (NM_001393508.1, NM_001393516.1); c.1441dup, p.Val481fs (NM_001393509.1, NM_001393510.1, NM_001393512.1 and 2 more transcripts); and 4 more; short protein forms V466fs, V474fs, V475fs, V480fs, V481fs, V482fs, V488fs, V497fs.
Identifiers: ClinVar variation 2662125 (VCV002662125.2), dbSNP rs2513139588, ClinGen allele CA2695198158.
Genomic context (GRCh38, chr19:18,131,984, plus strand): 5'-CGCTCCTGAAGAACATGGGCCCGCTGCCCGTGGACATGGCCCGCCTGTACTTCGCCGAGA[C>CG]GGTGTTGGCGCTGGAGTACCTGCATAACTATGGCATCGTGCACCGTGACCTCAAACCAGA-3'